The following is an entry in ClinVar:

NM_006231.4(POLE):c.4222C>T (p.Gln1408Ter)

Gene: POLE (DNA polymerase epsilon, catalytic subunit; minus strand). Cytogenetic location: 12q24.33.
Variant type: single nucleotide variant.
Coding change: c.4222C>T on transcript NM_006231.4 (MANE Select); coding-DNA position 4222, C replaced by T.
Protein change: p.Gln1408Ter; replaces glutamine 1408 with a stop codon.
Molecular consequence: nonsense.
Genome position (GRCh38, 1-based): chr12:132,643,905, G>A on the plus strand (C>T on the coding strand, the complement: POLE is on the minus strand). VCF-style: chr12-132643905-G-A. GRCh37 (hg19) VCF-style: chr12-133220491-G-A.
Other names: short protein forms Q1408*.
Identifiers: ClinVar variation 941233 (VCV000941233.9), dbSNP rs2042215003, ClinGen allele CA387382153.

ClinVar aggregate classification (germline): Pathogenic (1 of 4 stars; one submission).

Submission:

Labcorp Genetics (formerly Invitae), Labcorp
Classification: Pathogenic. Last evaluated: 2022-05-12. Review status: criteria provided, single submitter. Criteria: Invitae Variant Classification Sherloc (09022015). Collection method: clinical testing. Allele origin: germline.
Comment: ClinVar contains an entry for this variant (Variation ID: 941233). This variant has not been reported in the literature in individuals affected with POLE-related conditions. This variant is not present in population databases (gnomAD no frequency). This sequence change creates a premature translational stop signal (p.Gln1408*) in the POLE gene. It is expected to result in an absent or disrupted protein product. Loss-of-function variants in POLE are known to be pathogenic (PMID: 23230001, 25948378, 30503519). For these reasons, this variant has been classified as Pathogenic.

Literature cited by the submitters: PubMed 23230001; PubMed 25948378; PubMed 30503519.